The following is an entry in ClinVar:

NM_007126.5(VCP):c.1985G>A (p.Arg662His)

Gene: VCP (valosin containing protein; minus strand). Cytogenetic location: 9p13.3.
Variant type: single nucleotide variant.
Coding change: c.1985G>A on transcript NM_007126.5 (MANE Select); coding-DNA position 1985, G replaced by A.
Protein change: p.Arg662His; replaces arginine 662 with histidine.
Molecular consequence: missense variant.
Genome position (GRCh38, 1-based): chr9:35,059,512, C>T on the plus strand (G>A on the coding strand, the complement: VCP is on the minus strand). VCF-style: chr9-35059512-C-T. GRCh37 (hg19) VCF-style: chr9-35059509-C-T.
Other names: c.1985G>A (NM_007126.3); c.1850G>A, p.Arg617His (NM_001354927.2, NM_001354928.2); short protein forms R617H, R662H.
Identifiers: ClinVar variation 1390232 (VCV001390232.9), dbSNP rs762185724, ClinGen allele CA5039163.

ClinVar aggregate classification (germline): Uncertain significance. Review status: criteria provided, multiple submitters, no conflicts (2 of 4 stars). 3 submissions from 3 submitters: Uncertain significance (3). Last evaluated 2025-06-02.

Conditions:
Inclusion body myopathy with Paget disease of bone and frontotemporal dementia. Also called: Inclusion body myopathy with early-onset Paget disease and frontotemporal dementia. Identifiers: Orphanet 52430, MedGen C1833662, MONDO:0000507.
Frontotemporal dementia and/or amyotrophic lateral sclerosis 6 (FTDALS6). Also called: VCP-Related Amyotrophic Lateral Sclerosis/Frontotemporal Dementia; VCP-Related Amyotrophic Lateral Sclerosis. Identifiers: Orphanet 275872, Orphanet 803, MedGen C5436279, MONDO:0013501, OMIM 613954.
Inborn genetic diseases. Identifiers: MedGen C0950123, MeSH D030342.

Allele frequency attached by ClinVar (database versions not stated): TOPMed below 0.00001; ExAC 0.00001; gnomAD 0.00001; gnomAD exomes 0.00001 and 0.00002.
gnomAD v4.1: 10 of 1,613,924 alleles (0.00062%); highest among the groups gnomAD compares: South Asian, 0.0044%; no homozygotes.

Submissions (3):

Labcorp Genetics (formerly Invitae), Labcorp
Classification: Uncertain significance for Inclusion body myopathy with Paget disease of bone and frontotemporal dementia; Frontotemporal dementia and/or amyotrophic lateral sclerosis 6. Last evaluated: 2025-06-02. Review status: criteria provided, single submitter. Criteria: Invitae Variant Classification Sherloc (09022015). Collection method: clinical testing. Allele origin: germline.
Comment: This sequence change replaces arginine, which is basic and polar, with histidine, which is basic and polar, at codon 662 of the VCP protein (p.Arg662His). This variant is present in population databases (rs762185724, gnomAD 0.01%). This missense change has been observed in individual(s) with clinical features of VCP-related conditions (PMID: 38374194). ClinVar contains an entry for this variant (Variation ID: 1390232). Invitae Evidence Modeling of protein sequence and biophysical properties (such as structural, functional, and spatial information, amino acid conservation, physicochemical variation, residue mobility, and thermodynamic stability) indicates that this missense variant is not expected to disrupt VCP protein function with a negative predictive value of 80%. In summary, the available evidence is currently insufficient to determine the role of this variant in disease. Therefore, it has been classified as a Variant of Uncertain Significance.

Ambry Genetics
Classification: Uncertain significance for Inborn genetic diseases. Last evaluated: 2023-07-12. Review status: criteria provided, single submitter. Criteria: Ambry Variant Classification Scheme 2023. Collection method: clinical testing. Allele origin: germline.

Kariminejad - Najmabadi Pathology & Genetics Center
Classification: Uncertain significance. Last evaluated: 2020-02-10. Review status: criteria provided, single submitter. Criteria: ACMG Guidelines, 2015. Collection method: clinical testing. Allele origin: germline. Inheritance: Autosomal dominant inheritance. Affected: yes.
Comment: PP2, PP3

Literature cited by the submitters: PubMed 38374194 (cited by Labcorp Genetics (formerly Invitae), Labcorp).